The following is an entry in ClinVar:

ClinVar aggregate classification (germline): Likely pathogenic (1 of 4 stars; one submission).

Conditions:
Junctional epidermolysis bullosa gravis of Herlitz. Also called: EPIDERMOLYSIS BULLOSA, JUNCTIONAL 1B, SEVERE; Epidermolysis Bullosa Letalis; Herlitz-type junctional epidermolysis bullosa; EPIDERMOLYSIS BULLOSA JUNCTIONALIS, HERLITZ TYPE; EPIDERMOLYSIS BULLOSA, JUNCTIONAL, HERLITZ-PEARSON TYPE; JEB-HERLITZ TYPE. Identifiers: Orphanet 79404, MedGen C0079683, MONDO:0009182, OMIM 226700.

Allele frequency attached by ClinVar (database versions not stated): gnomAD exomes below 0.00001; gnomAD 0.00001.
gnomAD v4.1: 3 of 1,613,958 alleles (0.00019%); highest among the groups gnomAD compares: South Asian, 0.0022%; no homozygotes.

Submission:

Neuberg Centre For Genomic Medicine, NCGM
Classification: Likely pathogenic for Junctional epidermolysis bullosa gravis of Herlitz. Review status: criteria provided, single submitter. Criteria: ACMG Guidelines, 2015. Collection method: clinical testing. Allele origin: germline. Inheritance: Autosomal recessive inheritance. Affected: yes.
Comment: The splice acceptor c.2557-2A>C variant has not been reported previously as a pathogenic variant nor as a benign variant, to our knowledge. The c.2557-2A>C variant is novel (not in any individuals) in gnomAD Exomes and 1000 Genomes. Loss of function variants have been previously reported to be disease causing. For these reasons, this variant has been classified as Likely Pathogenic.

NM_000228.3(LAMB3):c.2557-2A>C

Gene: LAMB3 (laminin subunit beta 3; minus strand). Cytogenetic location: 1q32.2.
Variant type: single nucleotide variant.
Coding change: c.2557-2A>C on transcript NM_000228.3 (MANE Select); the canonical splice acceptor site of the intron before coding-DNA position 2557, A replaced by C.
Molecular consequence: splice acceptor variant.
Genome position (GRCh38, 1-based): chr1:209,622,682, T>G on the plus strand (A>C on the coding strand, the complement: LAMB3 is on the minus strand). VCF-style: chr1-209622682-T-G. GRCh37 (hg19) VCF-style: chr1-209796027-T-G.
Other names: c.2557-2A>C (NM_001127641.1, NM_001017402.2).
Identifiers: ClinVar variation 2585116 (VCV002585116.1), dbSNP rs1666247177, ClinGen allele CA344587716.